The following is an entry in ClinVar:

ClinVar aggregate classification (germline): Conflicting classifications of pathogenicity. Review status: criteria provided, conflicting classifications (1 of 4 stars). 5 submissions from 5 submitters: Uncertain significance (1); Likely benign (4). Last evaluated 2026-01-07.

Conditions:
Familial adenomatous polyposis 1 (FAP1). Also called: FAMILIAL ADENOMATOUS POLYPOSIS 1, ATTENUATED; POLYPOSIS, ADENOMATOUS INTESTINAL. Identifiers: MedGen C2713442, MONDO:0021056, OMIM 175100. Disease mechanism: loss of function.
APC-Associated Polyposis Disorders.
Hereditary cancer-predisposing syndrome. Also called: Tumor predisposition; Neoplastic Syndromes, Hereditary; Hereditary neoplastic syndrome; Hereditary Cancer Syndrome. Identifiers: Orphanet 140162, MedGen C0027672, MeSH D009386, MONDO:0015356.

Allele frequency attached by ClinVar (database versions not stated): ExAC below 0.00001; gnomAD exomes 0.00001; gnomAD 0.00002 and 0.00003; TOPMed 0.00003; ESP Exome Variant Server 0.00015.
gnomAD v4.1: 11 of 1,613,934 alleles (0.00068%); highest among the groups gnomAD compares: African/African-American, 0.0027%; no homozygotes.

Submissions (5):

Labcorp Genetics (formerly Invitae), Labcorp
Classification: Likely benign for Familial adenomatous polyposis 1. Last evaluated: 2026-01-07. Review status: criteria provided, single submitter. Criteria: Invitae Variant Classification Sherloc (09022015). Collection method: clinical testing. Allele origin: germline.

Blueprint Genetics
Classification: Likely benign. Last evaluated: 2021-01-18. Review status: criteria provided, single submitter. Criteria: ACMG Guidelines, 2015. Collection method: clinical testing. Allele origin: germline.

Color Diagnostics, LLC DBA Color Health
Classification: Likely benign for Hereditary cancer-predisposing syndrome. Last evaluated: 2018-09-04. Review status: criteria provided, single submitter. Criteria: ACMG Guidelines, 2015. Collection method: clinical testing. Allele origin: germline.

Illumina Laboratory Services, Illumina
Classification: Uncertain significance for APC-Associated Polyposis Disorders. Last evaluated: 2018-01-13. Review status: criteria provided, single submitter. Criteria: ICSL Variant Classification Criteria 13 December 2019. Collection method: clinical testing. Allele origin: germline.

GeneDx
Classification: Likely benign. Last evaluated: 2017-03-10. Review status: criteria provided, single submitter. Criteria: GeneDx Variant Classification (06012015). Collection method: clinical testing. Allele origin: germline. Affected: yes.
Comment: This variant is considered likely benign or benign based on one or more of the following criteria: it is a conservative change, it occurs at a poorly conserved position in the protein, it is predicted to be benign by multiple in silico algorithms, and/or has population frequency not consistent with disease.

NM_000038.6(APC):c.1312+12A>G

Gene: APC (APC regulator of Wnt signaling pathway; plus strand). Cytogenetic location: 5q22.2.
Variant type: single nucleotide variant.
Coding change: c.1312+12A>G on transcript NM_000038.6 (MANE Select); 12 bases into the intron after coding-DNA position 1312, A replaced by G.
Molecular consequence: intron variant.
Genome position (GRCh38, 1-based): chr5:112,819,356, A>G. VCF-style: chr5-112819356-A-G. GRCh37 (hg19) VCF-style: chr5-112155053-A-G.
Other names: c.1312+12A>G (NM_001354895.2, NM_001127510.3, NM_001354896.2); c.1342+12A>G (NM_001354897.2); c.1039+12A>G (NM_001354902.2); c.1258+12A>G (NM_001127511.3); c.1237+12A>G (NM_001354898.2); c.934+12A>G (NM_001354904.2); c.463+12A>G (NM_001354906.2); c.1009+12A>G (NM_001354903.2); and 3 more.
Identifiers: ClinVar variation 381514 (VCV000381514.52), dbSNP rs372970635, ClinGen allele CA027050.